The following is an entry in ClinVar:

ClinVar aggregate classification (germline): Benign/Likely benign. Review status: criteria provided, multiple submitters, no conflicts (2 of 4 stars). 3 submissions from 2 submitters: Benign (2); Likely benign (1). Last evaluated 2018-01-13.

Conditions:
Sacral defect with anterior meningocele. Identifiers: MedGen C1838568, OMIM 600145.
Neural tube defect (NTD). Also called: Neural tube defects. Identifiers: Orphanet 3388, Orphanet 823, MedGen C0027794, MONDO:0018075, HP:0045005.

Allele frequency attached by ClinVar (database versions not stated): gnomAD 0.39762 and 0.39771; TOPMed 0.39993; 1000 Genomes Project 0.42332; 1000 Genomes Project 30x 0.42661.

Submissions (3):

Illumina Laboratory Services, Illumina
Classification: Benign for Neural tube defects, susceptibility to. Last evaluated: 2018-01-13. Review status: criteria provided, single submitter. Criteria: ICSL Variant Classification Criteria 13 December 2019. Collection method: clinical testing. Allele origin: germline.
Comment: This variant was observed in the ICSL laboratory as part of a predisposition screen in an ostensibly healthy population. It had not been previously curated by ICSL or reported in the Human Gene Mutation Database (HGMD: prior to June 1st, 2018), and was therefore a candidate for classification through an automated scoring system. Utilizing variant allele frequency, disease prevalence and penetrance estimates, and inheritance mode, an automated score was calculated to assess if this variant is too frequent to cause the disease. Based on the score and internal cut-off values, a variant classified as benign is not then subjected to further curation. The score for this variant resulted in a classification of benign for this disease.

Illumina Laboratory Services, Illumina
Classification: Benign for Sacral defect with anterior meningocele. Last evaluated: 2018-01-13. Review status: criteria provided, single submitter. Criteria: ICSL Variant Classification Criteria 13 December 2019. Collection method: clinical testing. Allele origin: germline.
Comment: the same text as in the submission from Illumina Laboratory Services, Illumina above.

Breakthrough Genomics
Classification: Likely benign. Review status: criteria provided, single submitter. Criteria: ACMG Guidelines, 2015. Collection method: not provided. Allele origin: germline. Inheritance: Autosomal dominant inheritance. Affected: yes.

NM_138959.3(VANGL1):c.*5368G>A

Gene: VANGL1 (VANGL planar cell polarity protein 1; plus strand). Cytogenetic location: 1p13.1.
Variant type: single nucleotide variant.
Coding change: c.*5368G>A on transcript NM_138959.3 (MANE Select); 5368 bases downstream of the stop codon, G replaced by A.
Molecular consequence: 3 prime UTR variant.
Genome position (GRCh38, 1-based): chr1:115,696,747, G>A. VCF-style: chr1-115696747-G-A. GRCh37 (hg19) VCF-style: chr1-116239368-G-A.
Other names: c.*5368G>A (NM_001172412.2, NM_001172411.2).
Identifiers: ClinVar variation 292088 (VCV000292088.8), dbSNP rs10494179, ClinGen allele CA10607776.